The following is an entry in ClinVar:

ClinVar aggregate classification (germline): Uncertain significance. Review status: criteria provided, multiple submitters, no conflicts (2 of 4 stars). 2 submissions from 2 submitters: Uncertain significance (2). Last evaluated 2025-09-04.

Allele frequency attached by ClinVar (database versions not stated): gnomAD exomes below 0.00001 and 0.00001; TOPMed below 0.00001; ExAC 0.00001; gnomAD 0.00001; 1000 Genomes Project 30x 0.00016; 1000 Genomes Project 0.00020.
gnomAD v4.1: 11 of 1,614,206 alleles (0.00068%); highest among the groups gnomAD compares: Non-Finnish European, 0.00093%; no homozygotes.

Submissions (2):

Ambry Genetics
Classification: Uncertain significance. Last evaluated: 2025-09-04. Review status: criteria provided, single submitter. Criteria: Ambry Variant Classification Scheme 2023. Collection method: clinical testing. Allele origin: germline.

Labcorp Genetics (formerly Invitae), Labcorp
Classification: Uncertain significance. Last evaluated: 2022-07-19. Review status: criteria provided, single submitter. Criteria: Invitae Variant Classification Sherloc (09022015). Collection method: clinical testing. Allele origin: germline.
Comment: In summary, the available evidence is currently insufficient to determine the role of this variant in disease. Therefore, it has been classified as a Variant of Uncertain Significance. Algorithms developed to predict the effect of sequence changes on RNA splicing suggest that this variant may disrupt the consensus splice site. Algorithms developed to predict the effect of missense changes on protein structure and function (SIFT, PolyPhen-2, Align-GVGD) all suggest that this variant is likely to be disruptive. ClinVar contains an entry for this variant (Variation ID: 1375438). This variant has not been reported in the literature in individuals affected with C2-related conditions. This variant is present in population databases (rs201130773, gnomAD 0.0009%). This sequence change replaces arginine, which is basic and polar, with histidine, which is basic and polar, at codon 243 of the C2 protein (p.Arg243His).

NM_000063.6(C2):c.728G>A (p.Arg243His)

Gene: C2 (complement C2; plus strand). Cytogenetic location: 6p21.33.
Variant type: single nucleotide variant.
Coding change: c.728G>A on transcript NM_000063.6 (MANE Select); coding-DNA position 728, G replaced by A.
Protein change: p.Arg243His; replaces arginine 243 with histidine.
Molecular consequence: missense variant. On other transcripts: intron variant (2).
Genome position (GRCh38, 1-based): chr6:31,934,178, G>A. VCF-style: chr6-31934178-G-A. GRCh37 (hg19) VCF-style: chr6-31901955-G-A.
Other names: c.332G>A, p.Arg111His (NM_001145903.3); c.641G>A, p.Arg214His (NM_001282458.2); c.728G>A, p.Arg243His (NM_001282459.2); c.111+395G>A (NM_001282457.2); c.346+213G>A (NM_001178063.3); c.728G>A (NM_000063.4); short protein forms R111H, R214H, R243H.
Identifiers: ClinVar variation 1375438 (VCV001375438.9), dbSNP rs201130773, ClinGen allele CA3727503.